The following is an entry in ClinVar:

NM_002485.5(NBN):c.798G>A (p.Pro266=)

Gene: NBN (nibrin; minus strand). Cytogenetic location: 8q21.3.
Variant type: single nucleotide variant.
Coding change: c.798G>A on transcript NM_002485.5 (MANE Select); coding-DNA position 798, G replaced by A.
Protein change: p.Pro266=; no amino-acid change (proline 266 retained).
Molecular consequence: synonymous variant.
Genome position (GRCh38, 1-based): chr8:89,970,462, C>T on the plus strand (G>A on the coding strand, the complement: NBN is on the minus strand). VCF-style: chr8-89970462-C-T. GRCh37 (hg19) VCF-style: chr8-90982690-C-T.
Other names: c.552G>A, p.Pro184= (NM_001024688.3).
Identifiers: ClinVar variation 382019 (VCV000382019.29), dbSNP rs368786672, ClinGen allele CA4802884.

ClinVar aggregate classification (germline): Uncertain significance. Review status: criteria provided, multiple submitters, no conflicts (2 of 4 stars). 7 submissions from 7 submitters: Uncertain significance (6). 1 of the submissions does not count toward it. Last evaluated 2026-10-01.

Conditions:
Microcephaly, normal intelligence and immunodeficiency (NBS). Also called: Ataxia telangiectasia variant V1; Immunodeficiency, microcephaly with normal intelligence; SEEMANOVA SYNDROME II; Nijmegen breakage syndrome; Microcephaly with normal intelligence immunodeficiency and lymphoreticular malignancies; Nonsyndromal microcephaly autosomal recessive with normal intelligence. Identifiers: Orphanet 647, MedGen C0398791, MONDO:0009623, OMIM 251260.
Malignant tumor of breast. Also called: Cancer breast; Malignant breast neoplasm. Identifiers: MedGen C0006142, MONDO:0007254. Disease mechanism: loss of function.
Hereditary cancer-predisposing syndrome. Also called: Hereditary neoplastic syndrome; Neoplastic Syndromes, Hereditary; Hereditary Cancer Syndrome; Tumor predisposition. Identifiers: Orphanet 140162, MedGen C0027672, MeSH D009386, MONDO:0015356.

Allele frequency attached by ClinVar (database versions not stated): gnomAD 0.00001; gnomAD exomes 0.00001 and 0.00002; ExAC 0.00002; TOPMed 0.00002; ESP Exome Variant Server 0.00008.
gnomAD v4.1: 37 of 1,613,832 alleles (0.0023%); highest among the groups gnomAD compares: South Asian, 0.012%; no homozygotes.

Submissions (7):

St. Jude Molecular Pathology, St. Jude Children's Research Hospital
Classification: Uncertain significance for Microcephaly, normal intelligence and immunodeficiency. Last evaluated: 2026-10-01. Review status: criteria provided, single submitter. Criteria: St. Jude Assertion Criteria 2020. Collection method: clinical testing. Allele origin: germline.
Comment: The NBN c.798G>A p.(Pro266=) synonymous change has a maximum subpopulation frequency of 0.007% in gnomAD v2.1.1. Algorithms that predict the impact of sequence changes on splicing indicate that this change may impact splicing but to our knowledge these predictions have not been confirmed by RNA studies. To our knowledge, this variant has not been reported in individuals with Nijmegen breakage syndr ome. In summary, the evidence currently available is insufficient to determine the clinical significance of this variant. It has therefore been classified as of uncertain significance (VUS-Low).

Women's Health and Genetics/Laboratory Corporation of America, LabCorp
Classification: Uncertain significance. Last evaluated: 2025-02-25. Review status: criteria provided, single submitter. Criteria: LabCorp Variant Classification Summary - May 2015. Collection method: clinical testing. Allele origin: germline.
Comment: Variant summary: NBN c.798G>A alters a non-conserved nucleotide resulting in a synonymous change. Several computational tools predict a significant impact on normal splicing: Three predict the variant creates a 3' acceptor site. While internal RNA splicing data have been obtained for this variant (Labcorp Genetics, formerly Invitae) at this time the results are inconclusive. The variant allele was found at a frequency of 1.2e-05 in 251280 control chromosomes. The available data on variant occurrences in the general population are insufficient to allow any conclusion about variant significance. To our knowledge, no occurrence of c.798G>A in individuals affected with Nijmegen Breakage Syndrome have been reported. The following publications have been ascertained in the context of this evaluation (PMID: 30287823, 36243179). ClinVar contains an entry for this variant (Variation ID: 382019). Based on the evidence outlined above, the variant was classified as uncertain significance.

Labcorp Genetics (formerly Invitae), Labcorp
Classification: Uncertain significance for Microcephaly, normal intelligence and immunodeficiency. Last evaluated: 2023-12-22. Review status: criteria provided, single submitter. Criteria: Invitae Variant Classification Sherloc (09022015). Collection method: clinical testing. Allele origin: germline.
Comment: This sequence change affects codon 266 of the NBN mRNA. It is a 'silent' change, meaning that it does not change the encoded amino acid sequence of the NBN protein. This variant is present in population databases (rs368786672, gnomAD 0.006%). This variant has not been reported in the literature in individuals affected with NBN-related conditions. ClinVar contains an entry for this variant (Variation ID: 382019). Studies have shown that this variant is associated with inconclusive levels of altered splicing (Invitae). In summary, the available evidence is currently insufficient to determine the role of this variant in disease. Therefore, it has been classified as a Variant of Uncertain Significance.

Ambry Genetics
Classification: Uncertain significance for Hereditary cancer-predisposing syndrome. Last evaluated: 2023-04-17. Review status: criteria provided, single submitter. Criteria: Ambry Variant Classification Scheme 2023. Collection method: clinical testing. Allele origin: germline.
Comment: The c.798G>A variant (also known as p.P266P), located in coding exon 7 of the NBN gene, results from a G to A substitution at nucleotide position 798. This nucleotide substitution does not change the amino acid at codon 266. This alteration was observed with an allele frequency of 0.00014 in 7,051 unselected female breast cancer patients and was not observed in 11,241 female controls of Japanese ancestry. In addition, it was not observed in unselected male breast cancer patients and was observed with an allele frequency of 0.0001 in 12490 male controls of Japanese ancestry (Momozawa Y et al. Nat Commun, 2018 10;9:4083). This nucleotide position is poorly conserved in available vertebrate species. In silico splice site analysis predicts that this alteration will result in the creation or strengthening of a novel splice acceptor site; however, direct evidence is insufficient at this time (Ambry internal data). Since supporting evidence is limited at this time, the clinical significance of this alteration remains unclear.

GeneDx
Classification: Uncertain significance. Last evaluated: 2022-12-22. Review status: criteria provided, single submitter. Criteria: GeneDx Variant Classification Process June 2021. Collection method: clinical testing. Allele origin: germline. Affected: yes.
Comment: Not observed at significant frequency in large population cohorts (gnomAD); In silico analysis suggests this variant may impact gene splicing. In the absence of RNA/functional studies, the actual effect of this sequence change is unknown.; Observed in an individual with breast cancer but also in an unaffected control (Momozawa et al., 2018); This variant is associated with the following publications: (PMID: 30287823)

Genome-Nilou Lab
Classification: Uncertain significance for Microcephaly, normal intelligence and immunodeficiency. Last evaluated: 2021-11-07. Review status: criteria provided, single submitter. Criteria: ACMG Guidelines, 2015. Collection method: clinical testing. Allele origin: germline. Affected: no.

Department of Pathology and Laboratory Medicine, Sinai Health System
Classification: Uncertain significance for Malignant tumor of breast. Review status: no assertion criteria provided. Collection method: clinical testing. Allele origin: unknown. Affected: yes. Study: The Canadian Open Genetics Repository (COGR). Not counted in ClinVar's aggregate classification.
Comment: The NBN p.Pro266= variant was not identified in the literature. The variant was identified in dbSNP (rs368786672) as â€šÃ„Ãºwith other alleleâ€šÃ„Ã¹, ClinVar (classified as likely benign by GeneDx and Ambry Genetics; and as uncertain significance by Invitae and Ambry Genetics) and LOVD 3.0 (observed 2x). The variant was identified in control databases in 3 of 246,064 chromosomes at a frequency of 0.000012 (Genome Aggregation Database Feb 27, 2017). The variant was observed in the following populations: European in 1 of 111,586 chromosomes (freq: 0.000009) and South Asian in 2 of 30,780 chromosomes (freq: 0.00007), but not in the African, Other, Latino, Ashkenazi Jewish, East Asian or Finnish populations. The p.Pro266= variant is not expected to have clinical significance because it does not result in a change of amino acid and it occurs at a non-conserved nucleotide outside of the splicing consensus sequence. However, 3 of 4 in silico or computational prediction software programs (SpliceSiteFinder, MaxEntScan, NNSPLICE, GeneSplicer) predict the introduction of a cryptic splice site; this information is not predictive enough to assume pathogenicity. In summary, based on the above information, the clinical significance of this variant cannot be determined with certainty at this time. This variant is classified as a variant of uncertain significance.

Literature cited by the submitters: PubMed 30287823 (cited by Women's Health and Genetics/Laboratory Corporation of America, LabCorp and Ambry Genetics); PubMed 36243179 (cited by Women's Health and Genetics/Laboratory Corporation of America, LabCorp).